The following is an entry in ClinVar:

NM_007294.4(BRCA1):c.4986+1G>A

Gene: BRCA1 (BRCA1 DNA repair associated; minus strand). Cytogenetic location: 17q21.31.
Variant type: single nucleotide variant.
Coding change: c.4986+1G>A on transcript NM_007294.4 (MANE Select); the canonical splice donor site of the intron after coding-DNA position 4986, G replaced by A.
Molecular consequence: splice donor variant. On other transcripts: intron variant (1).
Genome position (GRCh38, 1-based): chr17:43,070,927, C>T on the plus strand (G>A on the coding strand, the complement: BRCA1 is on the minus strand). VCF-style: chr17-43070927-C-T. GRCh37 (hg19) VCF-style: chr17-41222944-C-T.
Other names: IVS16+1G>A; c.1533+1G>A (NM_001408458.1, NM_001408464.1, NM_001408467.1 and 7 more transcripts); c.4095+1G>A (NM_001407967.1); c.4605+1G>A (NM_001407959.1); c.4719+1G>A (NM_001407931.1, NM_001407932.1, NM_001407928.1 and 4 more transcripts); c.4842+1G>A (NM_001407747.1, NM_001407742.1, NM_001407945.1 and 21 more transcripts); c.4602+1G>A (NM_001407962.1, NM_001407960.1); c.4986+1G>A (NM_001407603.1, NM_001407597.1, NM_001407605.1 and 8 more transcripts); and 72 more.
Identifiers: ClinVar variation 125738 (VCV000125738.19), dbSNP rs80358162, ClinGen allele CA003118.

ClinVar aggregate classification (germline): Pathogenic. Review status: criteria provided, multiple submitters, no conflicts (2 of 4 stars). 5 submissions from 5 submitters: Pathogenic (4). 1 of the submissions does not count toward it. Last evaluated 2025-05-18.

Conditions:
Hereditary cancer-predisposing syndrome. Also called: Tumor predisposition; Hereditary neoplastic syndrome; Hereditary Cancer Syndrome; Neoplastic Syndromes, Hereditary. Identifiers: Orphanet 140162, MedGen C0027672, MeSH D009386, MONDO:0015356.
Hereditary breast ovarian cancer syndrome. Also called: Hereditary breast and/or ovarian cancer syndrome; Breast and ovarian cancer; Hereditary breast and ovarian cancer syndrome; Hereditary breast and ovarian cancer; Hereditary breast and ovarian cancer syndrome (HBOC); BRCA1- and BRCA2-Associated Hereditary Breast and Ovarian Cancer. Identifiers: Orphanet 145, MedGen C0677776, MeSH D061325, MONDO:0003582. Disease mechanism: loss of function.
Breast-ovarian cancer, familial, susceptibility to, 1 (BROVCA1). Also called: BRCA1 Hereditary Breast and Ovarian Cancer; OVARIAN CANCER, SUSCEPTIBILITY TO. Identifiers: Orphanet 145, MedGen C2676676, MONDO:0011450, OMIM 604370. Disease mechanism: loss of function.

Submissions (6):

Labcorp Genetics (formerly Invitae), Labcorp
Classification: Pathogenic for Hereditary breast ovarian cancer syndrome. Last evaluated: 2025-05-18. Review status: criteria provided, single submitter. Criteria: Invitae Variant Classification Sherloc (09022015). Collection method: clinical testing. Allele origin: germline.
Comment: This sequence change affects a donor splice site in intron 15 of the BRCA1 gene. It is expected to disrupt RNA splicing. Variants that disrupt the donor or acceptor splice site typically lead to a loss of protein function (PMID: 16199547), and loss-of-function variants in BRCA1 are known to be pathogenic (PMID: 20104584). This variant is not present in population databases (gnomAD no frequency). Disruption of this splice site has been observed in individual(s) with breast cancer (PMID: 24961674, 28294317). This variant is also known as 5105+1G>A and IVS16+1G>A. ClinVar contains an entry for this variant (Variation ID: 125738). Studies have shown that disruption of this splice site alters mRNA splicing and is expected to lead to the loss of protein expression (PMID: 30209399). For these reasons, this variant has been classified as Pathogenic.

Center for Genomic Medicine, Rigshospitalet, Copenhagen University Hospital
Classification: Pathogenic. Last evaluated: 2025-03-04. Review status: criteria provided, single submitter. Criteria: ACMG Guidelines, 2015. Collection method: clinical testing. Allele origin: germline.

Ambry Genetics
Classification: Pathogenic for Hereditary cancer-predisposing syndrome. Last evaluated: 2025-02-17. Review status: criteria provided, single submitter. Criteria: Ambry Variant Classification Scheme 2023. Collection method: clinical testing. Allele origin: germline.
Comment: The c.4986+1G>A intronic pathogenic mutation results from a G to A substitution one nucleotide after coding exon 14 of the BRCA1 gene. One functional study found that this nucleotide substitution is functional/non-functional in a high throughput genome editing haploid cell survival assay (Findlay GM et al. Nature, 2018 Oct;562:217-222). This variant is considered to be rare based on population cohorts in the Genome Aggregation Database (gnomAD). This nucleotide position is highly conserved in available vertebrate species. In silico splice site analysis predicts that this alteration will weaken the native splice donor site; however, direct evidence is insufficient at this time (Ambry internal data). Alterations that disrupt the canonical splice site are expected to cause aberrant splicing, resulting in an abnormal protein or a transcript that is subject to nonsense-mediated mRNA decay. As such, this alteration is classified as a disease-causing mutation.

Consortium of Investigators of Modifiers of BRCA1/2 (CIMBA), c/o University of Cambridge
Classification: Pathogenic for Breast-ovarian cancer, familial, susceptibility to, 1. Last evaluated: 2015-10-02. Review status: criteria provided, single submitter. Criteria: CIMBA Mutation Classification guidelines May 2016. Collection method: clinical testing. Allele origin: germline.

Breast Cancer Information Core (BIC) (BRCA1)
Classification: Pathogenic for Breast-ovarian cancer, familial 1. Review status: no assertion criteria provided. Collection method: clinical testing. Allele origin: germline. Affected: yes. Observed: 1 variant allele. Not counted in ClinVar's aggregate classification.

Brotman Baty Institute, University of Washington
No classification provided (evidence only). Condition: Breast-ovarian cancer, familial 1. Review status: no classification provided. Collection method: in vitro. Allele origin: not applicable. Functional consequence: functionally_abnormal. Not counted in ClinVar's aggregate classification.
ClinVar note: "not provided" was previously submitted as the classification for the variant. However, the classification appeared to be based only on an observation of functional data so it was converted to no classification on 2025-07-30.

Literature cited by the submitters: PubMed 16199547 (cited by Labcorp Genetics (formerly Invitae), Labcorp); PubMed 20104584 (cited by Labcorp Genetics (formerly Invitae), Labcorp); PubMed 24961674 (cited by Labcorp Genetics (formerly Invitae), Labcorp); PubMed 28294317 (cited by Labcorp Genetics (formerly Invitae), Labcorp); PubMed 30209399 (cited by Labcorp Genetics (formerly Invitae), Labcorp and Ambry Genetics).